The following is an entry in ClinVar:

NM_014476.6(PDLIM3):c.896G>A (p.Ser299Asn)

Gene: PDLIM3 (PDZ and LIM domain 3; minus strand). Cytogenetic location: 4q35.1.
Variant type: single nucleotide variant.
Coding change: c.896G>A on transcript NM_014476.6 (MANE Select); coding-DNA position 896, G replaced by A.
Protein change: p.Ser299Asn; replaces serine 299 with asparagine.
Molecular consequence: missense variant. On other transcripts: non-coding transcript variant (1).
Genome position (GRCh38, 1-based): chr4:185,504,484, C>T on the plus strand (G>A on the coding strand, the complement: PDLIM3 is on the minus strand). VCF-style: chr4-185504484-C-T. GRCh37 (hg19) VCF-style: chr4-186425638-C-T.
Other names: p.S299N:AGT>AAT; c.752G>A, p.Ser251Asn (NM_001114107.5); c.632G>A, p.Ser211Asn (NM_001257962.2); c.395G>A, p.Ser132Asn (NM_001257963.2); short protein forms S299N, S211N, S251N, S132N.
Identifiers: ClinVar variation 201948 (VCV000201948.14), dbSNP rs143812960, ClinGen allele CA335475.

ClinVar aggregate classification (germline): Uncertain significance. Review status: criteria provided, multiple submitters, no conflicts (2 of 4 stars). 4 submissions from 4 submitters: Uncertain significance (4). Last evaluated 2025-12-15.

Conditions:
Cardiovascular phenotype. Identifiers: MedGen CN230736.
Primary dilated cardiomyopathy (DCM). Also called: Dilated Cardiomyopathy. Identifiers: Orphanet 217604, MedGen C0007193, MeSH D002311, MONDO:0005021, HP:0001644. Inheritance: Various modes of inheritance.
Hypertrophic cardiomyopathy. Also called: HYPERTROPHIC MYOCARDIOPATHY. Identifiers: Orphanet 217569, MedGen C0007194, MeSH D002312, MONDO:0005045, HP:0001639.

Allele frequency attached by ClinVar (database versions not stated): gnomAD exomes 0.00012; 1000 Genomes Project 30x 0.00016; ExAC 0.00010; gnomAD 0.00014 and 0.00016; TOPMed 0.00014; 1000 Genomes Project 0.00020; ESP Exome Variant Server 0.00023.

Submissions (4):

Labcorp Genetics (formerly Invitae), Labcorp
Classification: Uncertain significance for Hypertrophic cardiomyopathy; Primary dilated cardiomyopathy. Last evaluated: 2025-12-15. Review status: criteria provided, single submitter. Criteria: Invitae Variant Classification Sherloc (09022015). Collection method: clinical testing. Allele origin: germline.
Comment: This sequence change replaces serine, which is neutral and polar, with asparagine, which is neutral and polar, at codon 299 of the PDLIM3 protein (p.Ser299Asn). This variant is present in population databases (rs143812960, gnomAD 0.02%). This variant has not been reported in the literature in individuals affected with PDLIM3-related conditions. ClinVar contains an entry for this variant (Variation ID: 201948). Invitae Evidence Modeling of protein sequence and biophysical properties (such as structural, functional, and spatial information, amino acid conservation, physicochemical variation, residue mobility, and thermodynamic stability) indicates that this missense variant is not expected to disrupt PDLIM3 protein function with a negative predictive value of 80%. In summary, the available evidence is currently insufficient to determine the role of this variant in disease. Therefore, it has been classified as a Variant of Uncertain Significance.

GeneDx
Classification: Uncertain significance. Last evaluated: 2023-08-25. Review status: criteria provided, single submitter. Criteria: GeneDx Variant Classification Process June 2021. Collection method: clinical testing. Allele origin: germline. Affected: yes.
Comment: Reported in a cohort of patients with restrictive cardiomyopathy and predicted to be tolerated, no patient specific details provided (Tarnovskaya et al., 2017); In silico analysis supports that this missense variant does not alter protein structure/function; Variants in candidate genes are classified as variants of uncertain significance in accordance with ACMG guidelines (Richards et al., 2015); This variant is associated with the following publications: (PMID: 28831623)

Stanford Center for Inherited Cardiovascular Disease, Stanford University
Classification: Uncertain significance. Last evaluated: 2016-08-01. Review status: criteria provided, single submitter. Criteria: ACMG Guidelines, 2015. Collection method: provider interpretation. Allele origin: germline.

Ambry Genetics
Classification: Uncertain significance for Cardiovascular phenotype. Last evaluated: 2013-10-04. Review status: criteria provided, single submitter. Criteria: Ambry Autosomal Dominant and X-Linked criteria (10/2015). Collection method: clinical testing. Allele origin: germline. Observed: 1 variant allele.
Comment: The p.S299N variant (also known as c.896G>A) is located in coding exon 7 of the PDLIM3gene. This alteration results from a G to A substitution at nucleotide position 896. The serine at codon 299 is replaced by asparagine, an amino acid with highly similar properties. This variant was previously reported in dbSNP asrs143812960. Based on data from the NHLBI Exome Sequencing Project (ESP), the A-allele has an overall frequency of approximately 0.02% (3/13006), having been observed in 0.03% (3/8600) of European American alleles, and not observed in 4406 of African American alleles studied. Based on data from the 1000 Genomes Project, the A-allele has an overall frequency of approximately 0.51% (1/2184), having been observed in 0.51% (1/196) of Tuscan alleles studied. Based on protein sequence alignment, thisamino acid position is not well conserved in available vertebrate species with asparagine as the reference amino acid in 8 species. In addition, this alteration is predicted to be benign and tolerated by PolyPhen and SIFT in silico analyses, respectively.Since supporting evidence is limited at this time, the clinical significance of this variant remains unclearÃ¢â‚¬â€¹.